The following is an entry in ClinVar:

NM_020774.4(MIB1):c.2720G>C (p.Arg907Thr)

Gene: MIB1 (MIB E3 ubiquitin protein ligase 1; plus strand). Cytogenetic location: 18q11.2.
Variant type: single nucleotide variant.
Coding change: c.2720G>C on transcript NM_020774.4 (MANE Select); coding-DNA position 2720, G replaced by C.
Protein change: p.Arg907Thr; replaces arginine 907 with threonine.
Molecular consequence: missense variant.
Genome position (GRCh38, 1-based): chr18:21,857,184, G>C. VCF-style: chr18-21857184-G-C. GRCh37 (hg19) VCF-style: chr18-19437145-G-C.
Other names: short protein forms R907T.
Identifiers: ClinVar variation 3294712 (VCV003294712.1).

ClinVar aggregate classification (germline): Uncertain significance (1 of 4 stars; one submission).

Conditions:
Inborn genetic diseases. Identifiers: MedGen C0950123, MeSH D030342.

Submission:

Ambry Genetics
Classification: Uncertain significance for Inborn genetic diseases. Last evaluated: 2024-06-23. Review status: criteria provided, single submitter. Criteria: Ambry Variant Classification Scheme 2023. Collection method: clinical testing. Allele origin: germline.
Comment: The p.R907T variant (also known as c.2720G>C), located in coding exon 19 of the MIB1 gene, results from a G to C substitution at nucleotide position 2720. The arginine at codon 907 is replaced by threonine, an amino acid with similar properties. This amino acid position is conserved. In addition, the in silico prediction for this alteration is inconclusive. Based on the available evidence, the clinical significance of this variant remains unclear.